The following is an entry in ClinVar:

ClinVar aggregate classification (germline): Likely pathogenic (1 of 4 stars; one submission).

Conditions:
Fraser syndrome 1 (FRASRS1). Also called: CRYPTOPHTHALMOS WITH OTHER MALFORMATIONS. Identifiers: Orphanet 2052, MedGen C4551480, MONDO:0054737, OMIM 219000.

Allele frequency attached by ClinVar (database versions not stated): gnomAD exomes below 0.00001.
gnomAD v4.1: 1 of 1,612,254 alleles (0.000062%); highest among the groups gnomAD compares: Non-Finnish European, 0.000085%; no homozygotes.

Submission:

Baylor Genetics
Classification: Likely pathogenic for Fraser syndrome 1. Last evaluated: 2020-01-10. Review status: criteria provided, single submitter. Criteria: ACMG Guidelines, 2015. Collection method: clinical testing. Allele origin: unknown. Affected: yes.
Comment: This variant was determined to be likely pathogenic according to ACMG Guidelines, 2015 [PMID:25741868].

NM_025074.7(FRAS1):c.2869+1G>A

Gene: FRAS1 (Fraser extracellular matrix complex subunit 1; plus strand). Cytogenetic location: 4q21.21.
Variant type: single nucleotide variant.
Coding change: c.2869+1G>A on transcript NM_025074.7 (MANE Select); the canonical splice donor site of the intron after coding-DNA position 2869, G replaced by A.
Molecular consequence: splice donor variant.
Genome position (GRCh38, 1-based): chr4:78,369,985, G>A. VCF-style: chr4-78369985-G-A. GRCh37 (hg19) VCF-style: chr4-79291139-G-A.
Other names: c.2869+1G>A (NM_001166133.2).
Identifiers: ClinVar variation 1028865 (VCV001028865.1), dbSNP rs1731436153, ClinGen allele CA357373491.